The following is an entry in ClinVar:

NM_003060.4(SLC22A5):c.892C>T (p.Arg298Cys)

Gene: SLC22A5 (solute carrier family 22 member 5; plus strand). Cytogenetic location: 5q31.1.
Variant type: single nucleotide variant.
Coding change: c.892C>T on transcript NM_003060.4 (MANE Select); coding-DNA position 892, C replaced by T.
Protein change: p.Arg298Cys; replaces arginine 298 with cysteine.
Molecular consequence: missense variant.
Genome position (GRCh38, 1-based): chr5:132,387,092, C>T. VCF-style: chr5-132387092-C-T. GRCh37 (hg19) VCF-style: chr5-131722784-C-T.
Other names: p.Arg298Cys; c.964C>T, p.Arg322Cys (NM_001308122.2); short protein forms R298C, R322C.
Identifiers: ClinVar variation 581353 (VCV000581353.14), dbSNP rs755114089, ClinGen allele CA3404004.

ClinVar aggregate classification (germline): Uncertain significance. Review status: criteria provided, multiple submitters, no conflicts (2 of 4 stars). 7 submissions from 7 submitters: Uncertain significance (6). 1 of the submissions does not count toward it. Last evaluated 2024-10-14.

Conditions:
Renal carnitine transport defect (CDSP). Also called: Systemic primary carnitine deficiency disease; Carnitine Deficiency, Systemic; CARNITINE DEFICIENCY, SYSTEMIC, DUE TO DEFECT IN RENAL REABSORPTION OF CARNITINE; CARNITINE TRANSPORTER, PLASMA-MEMBRANE, DEFICIENCY OF; CARNITINE UPTAKE DEFECT; Systemic primary carnitine deficiency. Identifiers: Orphanet 158, MedGen C0342788, MONDO:0008919, OMIM 212140.

Allele frequency attached by ClinVar (database versions not stated): gnomAD 0.00004 and 0.00005; TOPMed 0.00005.
gnomAD v4.1: 87 of 1,614,014 alleles (0.0054%); highest among the groups gnomAD compares: Non-Finnish European, 0.0066%; no homozygotes.

Submissions (7):

Blueprint Genetics
Classification: Uncertain significance. Last evaluated: 2024-10-14. Review status: criteria provided, single submitter. Criteria: ACMG Guidelines, 2015. Collection method: clinical testing. Allele origin: germline.

Mayo Clinic Laboratories, Mayo Clinic
Classification: Uncertain significance. Last evaluated: 2024-08-21. Review status: criteria provided, single submitter. Criteria: ACMG Guidelines, 2015. Collection method: clinical testing. Allele origin: germline. Observed: 3 variant alleles.

Labcorp Genetics (formerly Invitae), Labcorp
Classification: Uncertain significance for Renal carnitine transport defect. Last evaluated: 2022-07-05. Review status: criteria provided, single submitter. Criteria: Invitae Variant Classification Sherloc (09022015). Collection method: clinical testing. Allele origin: germline.
Comment: This sequence change replaces arginine, which is basic and polar, with cysteine, which is neutral and slightly polar, at codon 298 of the SLC22A5 protein (p.Arg298Cys). This variant is present in population databases (rs755114089, gnomAD 0.01%). This variant has not been reported in the literature in individuals affected with SLC22A5-related conditions. ClinVar contains an entry for this variant (Variation ID: 581353). Algorithms developed to predict the effect of missense changes on protein structure and function are either unavailable or do not agree on the potential impact of this missense change (SIFT: "Deleterious"; PolyPhen-2: "Benign"; Align-GVGD: "Class C35"). In summary, the available evidence is currently insufficient to determine the role of this variant in disease. Therefore, it has been classified as a Variant of Uncertain Significance.

Fulgent Genetics
Classification: Uncertain significance for Renal carnitine transport defect. Last evaluated: 2021-08-19. Review status: criteria provided, single submitter. Criteria: ACMG Guidelines, 2015. Collection method: clinical testing. Allele origin: unknown.

Genome-Nilou Lab
Classification: Uncertain significance for Renal carnitine transport defect. Last evaluated: 2021-07-15. Review status: criteria provided, single submitter. Criteria: ACMG Guidelines, 2015. Collection method: clinical testing. Allele origin: germline. Affected: no.

Illumina Laboratory Services, Illumina
Classification: Uncertain significance for Renal carnitine transport defect. Last evaluated: 2018-01-12. Review status: criteria provided, single submitter. Criteria: ICSL Variant Classification Criteria 13 December 2019. Collection method: clinical testing. Allele origin: germline.

Natera, Inc.
Classification: Uncertain significance for Primary systemic carnitine deficiency. Last evaluated: 2020-05-01. Review status: no assertion criteria provided. Collection method: clinical testing. Allele origin: germline. Not counted in ClinVar's aggregate classification.